The following is an entry in ClinVar:

NM_005529.7(HSPG2):c.9908C>T (p.Thr3303Met)

Gene: HSPG2 (heparan sulfate proteoglycan 2; minus strand). Cytogenetic location: 1p36.12.
Variant type: single nucleotide variant.
Coding change: c.9908C>T on transcript NM_005529.7 (MANE Select); coding-DNA position 9908, C replaced by T.
Protein change: p.Thr3303Met; replaces threonine 3303 with methionine.
Molecular consequence: missense variant.
Genome position (GRCh38, 1-based): chr1:21,839,067, G>A on the plus strand (C>T on the coding strand, the complement: HSPG2 is on the minus strand). VCF-style: chr1-21839067-G-A. GRCh37 (hg19) VCF-style: chr1-22165560-G-A.
Other names: c.9911C>T, p.Thr3304Met (NM_001291860.2); short protein forms T3303M, T3304M.
Identifiers: ClinVar variation 295749 (VCV000295749.18), dbSNP rs150109595, ClinGen allele CA670274.
Genomic context (GRCh38, chr1:21,839,067, plus strand): 5'-TGAGCCAGGCACTGGAGCTGCACCGTCTCCCCTGCCTGCACCGAAGCGTGCTCTGGGACC[G>A]TGGTGGCATATGGTGGGCCTGAGTGGGGGGACACAGAGGTCAGGATTGGGGAGGGCAAAG-3'
Protein context (NP_005520.4, residues 3293-3313): LHVESPPYAT[Thr3303Met]VPEHASVQAG

ClinVar aggregate classification (germline): Uncertain significance. Review status: criteria provided, multiple submitters, no conflicts (2 of 4 stars). 5 submissions from 4 submitters: Uncertain significance (5). Last evaluated 2025-12-01.

Conditions:
Schwartz-Jampel syndrome. Also called: Myotonic myopathy dwarfism chondrodystrophy and ocular and facial abnormalities. Identifiers: Orphanet 800, MedGen C0036391, MONDO:0009717.
Lethal Kniest-like syndrome (DDSH). Also called: Dyssegmental Dysplasia. Identifiers: Orphanet 1865, MedGen C1857100, MONDO:0009140, OMIM 224410.

Allele frequency attached by ClinVar (database versions not stated): ExAC 0.00006; gnomAD 0.00010 and 0.00011; TOPMed 0.00010; ESP Exome Variant Server 0.00015.
gnomAD v4.1: 210 of 1,588,052 alleles (0.013%); highest among the groups gnomAD compares: Non-Finnish European, 0.016%; no homozygotes.

Submissions (5):

CeGaT Center for Human Genetics Tuebingen
Classification: Uncertain significance. Last evaluated: 2025-12-01. Review status: criteria provided, single submitter. Criteria: CeGaT Center For Human Genetics Tuebingen Variant Classification Criteria Version 2. Collection method: clinical testing. Allele origin: germline. Affected: yes. Observed: 1 variant allele.
Comment: HSPG2: PM2, BP4

Labcorp Genetics (formerly Invitae), Labcorp
Classification: Uncertain significance. Last evaluated: 2022-02-10. Review status: criteria provided, single submitter. Criteria: Invitae Variant Classification Sherloc (09022015). Collection method: clinical testing. Allele origin: germline.
Comment: This sequence change replaces threonine, which is neutral and polar, with methionine, which is neutral and non-polar, at codon 3303 of the HSPG2 protein (p.Thr3303Met). This variant is present in population databases (rs150109595, gnomAD 0.01%). This variant has not been reported in the literature in individuals affected with HSPG2-related conditions. ClinVar contains an entry for this variant (Variation ID: 295749). Algorithms developed to predict the effect of missense changes on protein structure and function are either unavailable or do not agree on the potential impact of this missense change (SIFT: "Tolerated"; PolyPhen-2: "Possibly Damaging"; Align-GVGD: "Class C0"). In summary, the available evidence is currently insufficient to determine the role of this variant in disease. Therefore, it has been classified as a Variant of Uncertain Significance.

Revvity Omics, Revvity
Classification: Uncertain significance. Last evaluated: 2019-03-27. Review status: criteria provided, single submitter. Criteria: ACMG Guidelines, 2015. Collection method: clinical testing. Allele origin: germline.

Illumina Laboratory Services, Illumina
Classification: Uncertain significance for Lethal Kniest-like syndrome. Last evaluated: 2018-01-12. Review status: criteria provided, single submitter. Criteria: ICSL Variant Classification Criteria 13 December 2019. Collection method: clinical testing. Allele origin: germline.

Illumina Laboratory Services, Illumina
Classification: Uncertain significance for Schwartz-Jampel syndrome type 1. Last evaluated: 2018-01-12. Review status: criteria provided, single submitter. Criteria: ICSL Variant Classification Criteria 13 December 2019. Collection method: clinical testing. Allele origin: germline.